The following is an entry in ClinVar:

ClinVar aggregate classification (germline): Benign. Review status: criteria provided, multiple submitters, no conflicts (2 of 4 stars). 4 submissions from 4 submitters: Benign (4). Last evaluated 2026-01-28.

Conditions:
Isolated cryptophthalmia. Also called: Cryptophthalmos, unilateral or bilateral, isolated; ANKYLOBLEPHARON, SIMPLE. Identifiers: Orphanet 91396, MedGen C1852453, MONDO:0007410, OMIM 123570.
Fraser syndrome 2 (FRASRS2). Identifiers: MedGen C4540036, MONDO:0054738, OMIM 617666.

Allele frequency attached by ClinVar (database versions not stated): ESP Exome Variant Server 0.00077; gnomAD exomes 0.00117 and 0.00352; gnomAD 0.00172 and 0.00206; TOPMed 0.00187; ExAC 0.00346; 1000 Genomes Project 30x 0.00734; 1000 Genomes Project 0.00799.
gnomAD v4.1: 2,201 of 1,614,226 alleles (0.14%); highest among the groups gnomAD compares: East Asian, 2.3%; 26 homozygotes.

Submissions (4):

Labcorp Genetics (formerly Invitae), Labcorp
Classification: Benign. Last evaluated: 2026-01-28. Review status: criteria provided, single submitter. Criteria: Invitae Variant Classification Sherloc (09022015). Collection method: clinical testing. Allele origin: germline.

Fulgent Genetics
Classification: Benign for Isolated cryptophthalmia; Fraser syndrome 2. Last evaluated: 2021-09-13. Review status: criteria provided, single submitter. Criteria: ACMG Guidelines, 2015. Collection method: clinical testing. Allele origin: unknown.

Illumina Laboratory Services, Illumina
Classification: Benign for Fraser syndrome 2. Last evaluated: 2018-01-12. Review status: criteria provided, single submitter. Criteria: ICSL Variant Classification Criteria 13 December 2019. Collection method: clinical testing. Allele origin: germline.
Comment: This variant was observed in the ICSL laboratory as part of a predisposition screen in an ostensibly healthy population. It had not been previously curated by ICSL or reported in the Human Gene Mutation Database (HGMD: prior to June 1st, 2018), and was therefore a candidate for classification through an automated scoring system. Utilizing variant allele frequency, disease prevalence and penetrance estimates, and inheritance mode, an automated score was calculated to assess if this variant is too frequent to cause the disease. Based on the score and internal cut-off values, a variant classified as benign is not then subjected to further curation. The score for this variant resulted in a classification of benign for this disease.

Eurofins Ntd Llc (ga)
Classification: Benign. Last evaluated: 2015-06-26. Review status: criteria provided, single submitter. Criteria: EGL Classification Definitions 2015. Collection method: clinical testing. Allele origin: germline. Observed: 1 variant allele, 1 heterozygote.

NM_207361.6(FREM2):c.4686T>C (p.Asp1562=)

Gene: FREM2 (FRAS1 related extracellular matrix 2; plus strand). Cytogenetic location: 13q13.3.
Variant type: single nucleotide variant.
Coding change: c.4686T>C on transcript NM_207361.6 (MANE Select); coding-DNA position 4686, T replaced by C.
Protein change: p.Asp1562=; no amino-acid change (aspartic acid 1562 retained).
Molecular consequence: synonymous variant.
Genome position (GRCh38, 1-based): chr13:38,692,030, T>C. VCF-style: chr13-38692030-T-C. GRCh37 (hg19) VCF-style: chr13-39266167-T-C.
Identifiers: ClinVar variation 281547 (VCV000281547.19), dbSNP rs17058435, ClinGen allele CA6955051.